The following is an entry in ClinVar:

ClinVar aggregate classification (germline): Uncertain significance (1 of 4 stars; one submission).

Conditions:
Larsen-like syndrome, B3GAT3 type. Also called: MULTIPLE JOINT DISLOCATIONS, SHORT STATURE, AND CRANIOFACIAL DYSMORPHISM WITH OR WITHOUT CONGENITAL HEART DEFECTS; Multiple joint dislocations, short stature, craniofacial dysmorphism, with or without congenital heart defects. Identifiers: Orphanet 284139, MedGen CN034159, MONDO:0009511, OMIM 245600.

Allele frequency attached by ClinVar (database versions not stated): gnomAD exomes 0.00001 and 0.00003; ExAC 0.00002; gnomAD 0.00005 and 0.00006; TOPMed 0.00006; 1000 Genomes Project 0.00020; 1000 Genomes Project 30x 0.00031.

Submission:

Labcorp Genetics (formerly Invitae), Labcorp
Classification: Uncertain significance for Larsen-like syndrome, B3GAT3 type. Last evaluated: 2024-01-25. Review status: criteria provided, single submitter. Criteria: Invitae Variant Classification Sherloc (09022015). Collection method: clinical testing. Allele origin: germline.
Comment: This sequence change replaces alanine, which is neutral and non-polar, with valine, which is neutral and non-polar, at codon 11 of the B3GAT3 protein (p.Ala11Val). The frequency data for this variant in the population databases is considered unreliable, as metrics indicate poor data quality at this position in the gnomAD database. This variant has not been reported in the literature in individuals affected with B3GAT3-related conditions. ClinVar contains an entry for this variant (Variation ID: 1010876). Algorithms developed to predict the effect of missense changes on protein structure and function output the following: SIFT: "Not Available"; PolyPhen-2: "Benign"; Align-GVGD: "Not Available". The valine amino acid residue is found in multiple mammalian species, which suggests that this missense change does not adversely affect protein function. In summary, the available evidence is currently insufficient to determine the role of this variant in disease. Therefore, it has been classified as a Variant of Uncertain Significance.

NM_012200.4(B3GAT3):c.32C>T (p.Ala11Val)

Gene: B3GAT3 (beta-1,3-glucuronyltransferase 3; minus strand). Cytogenetic location: 11q12.3.
Variant type: single nucleotide variant.
Coding change: c.32C>T on transcript NM_012200.4 (MANE Select); coding-DNA position 32, C replaced by T.
Protein change: p.Ala11Val; replaces alanine 11 with valine.
Molecular consequence: missense variant. On other transcripts: 5 prime UTR variant (1), non-coding transcript variant (1).
Genome position (GRCh38, 1-based): chr11:62,621,916, G>A on the plus strand (C>T on the coding strand, the complement: B3GAT3 is on the minus strand). VCF-style: chr11-62621916-G-A. GRCh37 (hg19) VCF-style: chr11-62389388-G-A.
Other names: c.-229C>T (NM_001288721.2); c.32C>T, p.Ala11Val (NM_001288722.2, NM_001288723.2); short protein forms A11V.
Identifiers: ClinVar variation 1010876 (VCV001010876.5), dbSNP rs568826131, ClinGen allele CA6050266.